The following is an entry in ClinVar:

ClinVar aggregate classification (germline): Uncertain significance. Review status: criteria provided, multiple submitters, no conflicts (2 of 4 stars). 4 submissions from 4 submitters: Uncertain significance (3). 1 of the submissions does not count toward it. Last evaluated 2024-03-05.

Conditions:
Neuromuscular disease caused by qualitative or quantitative defects of dysferlin. Also called: Qualitative or quantitative defects of dysferlin; Dysferlinopathy. Identifiers: Orphanet 207073, MedGen C2931687, MONDO:0016145.
Autosomal recessive limb-girdle muscular dystrophy type 2B (LGMDR2). Also called: MUSCULAR DYSTROPHY, LIMB-GIRDLE, AUTOSOMAL RECESSIVE 2; Limb-Girdle Muscular Dystrophy Type 2B (LGMD2B); Limb-girdle muscular dystrophy, type 2B; MUSCULAR DYSTROPHY, LIMB-GIRDLE, TYPE 3. Identifiers: Orphanet 268, MedGen C1850889, MONDO:0009676, OMIM 253601.

Allele frequency attached by ClinVar (database versions not stated): ExAC below 0.00001; gnomAD exomes 0.00001 and 0.00004; TOPMed 0.00002; gnomAD 0.00003.
gnomAD v4.1: 58 of 1,551,546 alleles (0.0037%); highest among the groups gnomAD compares: Non-Finnish European, 0.0051%; no homozygotes.

Submissions (4):

Revvity Omics, Revvity
Classification: Uncertain significance. Last evaluated: 2024-03-05. Review status: criteria provided, single submitter. Criteria: ACMG Guidelines, 2015. Collection method: clinical testing. Allele origin: germline.

Blueprint Genetics
Classification: Uncertain significance. Last evaluated: 2024-02-14. Review status: criteria provided, single submitter. Criteria: ACMG Guidelines, 2015. Collection method: clinical testing. Allele origin: germline.

Labcorp Genetics (formerly Invitae), Labcorp
Classification: Uncertain significance for Neuromuscular disease caused by qualitative or quantitative defects of dysferlin. Last evaluated: 2022-03-28. Review status: criteria provided, single submitter. Criteria: Invitae Variant Classification Sherloc (09022015). Collection method: clinical testing. Allele origin: germline.
Comment: This sequence change replaces threonine, which is neutral and polar, with isoleucine, which is neutral and non-polar, at codon 137 of the DYSF protein (p.Thr137Ile). The frequency data for this variant in the population databases is considered unreliable, as metrics indicate poor data quality at this position in the gnomAD database. This variant has not been reported in the literature in individuals affected with DYSF-related conditions. ClinVar contains an entry for this variant (Variation ID: 471301). Advanced modeling of protein sequence and biophysical properties (such as structural, functional, and spatial information, amino acid conservation, physicochemical variation, residue mobility, and thermodynamic stability) performed at Invitae indicates that this missense variant is not expected to disrupt DYSF protein function. In summary, the available evidence is currently insufficient to determine the role of this variant in disease. Therefore, it has been classified as a Variant of Uncertain Significance.

Natera, Inc.
Classification: Uncertain significance for Limb-girdle muscular dystrophy type 2B. Last evaluated: 2021-04-21. Review status: no assertion criteria provided. Collection method: clinical testing. Allele origin: germline. Not counted in ClinVar's aggregate classification.

NM_001130987.2(DYSF):c.413C>T (p.Thr138Ile)

Gene: DYSF (dysferlin; plus strand). Cytogenetic location: 2p13.2.
Variant type: single nucleotide variant.
Coding change: c.413C>T on transcript NM_001130987.2 (MANE Select); coding-DNA position 413, C replaced by T.
Protein change: p.Thr138Ile; replaces threonine 138 with isoleucine.
Molecular consequence: missense variant.
Genome position (GRCh38, 1-based): chr2:71,511,874, C>T. VCF-style: chr2-71511874-C-T. GRCh37 (hg19) VCF-style: chr2-71739004-C-T.
Other names: c.413C>T, p.Thr138Ile (NM_001130455.2, NM_001130982.2, NM_001130983.2 and 3 more transcripts); c.410C>T, p.Thr137Ile (NM_001130976.2, NM_001130977.2, NM_001130978.2 and 4 more transcripts); short protein forms T137I, T138I.
Identifiers: ClinVar variation 471301 (VCV000471301.7), dbSNP rs766841136, ClinGen allele CA1705346.
Genomic context (GRCh38, chr2:71,511,874, plus strand): 5'-TGGTCCTGCAGGTGTCCTACACACCGCTGCCTGGAGCTGTGCCCCTGTTCCCGCCCCCTA[C>T]TCCTCTGGAGCCCTCCCCGACTCTGCCTGACCTGGATGTAGTGGCAGGTGGGTAGCCCAC-3'
Protein context (NP_001124459.1, residues 128-148): PGAVPLFPPP[Thr138Ile]PLEPSPTLPD